The following is an entry in ClinVar:

NM_024298.5(MBOAT7):c.943G>A (p.Asp315Asn)

Gene: MBOAT7 (membrane bound acylglycerophosphatidylinositol O-acyltransferase MBOAT7; minus strand). Cytogenetic location: 19q13.42.
Variant type: single nucleotide variant.
Coding change: c.943G>A on transcript NM_024298.5 (MANE Select); coding-DNA position 943, G replaced by A.
Protein change: p.Asp315Asn; replaces aspartic acid 315 with asparagine.
Molecular consequence: missense variant.
Genome position (GRCh38, 1-based): chr19:54,178,853, C>T on the plus strand (G>A on the coding strand, the complement: MBOAT7 is on the minus strand). VCF-style: chr19-54178853-C-T. GRCh37 (hg19) VCF-style: chr19-54682570-C-T.
Other names: c.724G>A, p.Asp242Asn (NM_001146056.3, NM_001146083.3); c.943G>A, p.Asp315Asn (NM_001146082.3); short protein forms D242N, D315N.
Identifiers: ClinVar variation 3036984 (VCV003036984.2), dbSNP rs373319764, ClinGen allele CA309346264.

ClinVar aggregate classification (germline): Uncertain significance (0 of 4 stars; one submission).

Conditions:
MBOAT7-related disorder. Also called: MBOAT7-related condition.

Allele frequency attached by ClinVar (database versions not stated): TOPMed 0.00004; gnomAD 0.00005; ESP Exome Variant Server 0.00008.

Submission:

PreventionGenetics, part of Exact Sciences
Classification: Uncertain significance for MBOAT7-related condition. Last evaluated: 2023-10-30. Review status: no assertion criteria provided. Collection method: clinical testing. Allele origin: germline.
Comment: The MBOAT7 c.943G>A variant is predicted to result in the amino acid substitution p.Asp315Asn. To our knowledge, this variant has not been reported in the literature. This variant is reported in 0.0085% of alleles in individuals of Latino descent in gnomAD. At this time, the clinical significance of this variant is uncertain due to the absence of conclusive functional and genetic evidence.